The following is an entry in ClinVar:

NM_172364.5(CACNA2D4):c.1564C>T (p.Arg522Ter)

Gene: CACNA2D4 (calcium voltage-gated channel auxiliary subunit alpha2delta 4; minus strand). Cytogenetic location: 12p13.33.
Variant type: single nucleotide variant.
Coding change: c.1564C>T on transcript NM_172364.5 (MANE Select); coding-DNA position 1564, C replaced by T.
Protein change: p.Arg522Ter; replaces arginine 522 with a stop codon.
Molecular consequence: nonsense.
Genome position (GRCh38, 1-based): chr12:1,879,036, G>A on the plus strand (C>T on the coding strand, the complement: CACNA2D4 is on the minus strand). VCF-style: chr12-1879036-G-A. GRCh37 (hg19) VCF-style: chr12-1988202-G-A.
Other names: c.1564C>T (NM_172364.4); short protein forms R522*.
Identifiers: ClinVar variation 1924724 (VCV001924724.6), dbSNP rs572396211, ClinGen allele CA231551660.

ClinVar aggregate classification (germline): Uncertain significance. Review status: criteria provided, multiple submitters, no conflicts (2 of 4 stars). 2 submissions from 2 submitters: Uncertain significance (2). Last evaluated 2025-10-29.

Conditions:
CACNA2D4-related disorder. Also called: CACNA2D4-related condition.

Allele frequency attached by ClinVar (database versions not stated): TOPMed 0.00001; gnomAD exomes 0.00002; gnomAD 0.00003.
gnomAD v4.1: 32 of 1,613,368 alleles (0.002%); highest among the groups gnomAD compares: Admixed American, 0.0067%; no homozygotes.

Submissions (2):

PreventionGenetics, part of Exact Sciences
Classification: Uncertain significance for CACNA2D4-related condition. Last evaluated: 2025-10-29. Review status: criteria provided, single submitter. Criteria: ACMG Guidelines, 2015. Collection method: clinical testing. Allele origin: germline.
Comment: The CACNA2D4 c.1564C>T variant is predicted to result in premature protein termination (p.Arg522*). This variant has been reported in the homozygous state in an individual with retinal disease (Areblom et al. 2023. PubMed ID: 37510321). This variant is present in 0.0039% of alleles in individuals of European (Non-Finnish) descent in gnomAD, and has been reported in carrier screens of the general population (Hou et al. 2020. PubMed ID: 31980526; Hanany et al. 2020. PubMed ID: 31964843). Predicted loss of function variants, such as this nonsense variant, in CACNA2D4 are not currently an established mechanism of disease. Therefore, although we suspect that this variant may be pathogenic, at this time, the clinical significance of this variant is uncertain due to the absence of conclusive functional and genetic evidence.

Labcorp Genetics (formerly Invitae), Labcorp
Classification: Uncertain significance. Last evaluated: 2025-10-27. Review status: criteria provided, single submitter. Criteria: Invitae Variant Classification Sherloc (09022015). Collection method: clinical testing. Allele origin: germline.
Comment: This sequence change creates a premature translational stop signal (p.Arg522*) in the CACNA2D4 gene. It is expected to result in an absent or disrupted protein product. However, the current clinical and genetic evidence is not sufficient to establish whether loss-of-function variants in CACNA2D4 cause disease. This variant is present in population databases (no rsID available, gnomAD 0.003%). This premature translational stop signal has been observed in individual(s) with inherited retinal dystrophy (PMID: 37510321). ClinVar contains an entry for this variant (Variation ID: 1924724). In summary, the available evidence is currently insufficient to determine the role of this variant in disease. Therefore, it has been classified as a Variant of Uncertain Significance.

Literature cited by the submitters: PubMed 37510321 (cited by Labcorp Genetics (formerly Invitae), Labcorp).